The following is an entry in ClinVar:

NM_001374828.1(ARID1B):c.1202G>C (p.Gly401Ala)

Gene: ARID1B (AT-rich interaction domain 1B; plus strand). Cytogenetic location: 6q25.3.
Variant type: single nucleotide variant.
Coding change: c.1202G>C on transcript NM_001374828.1 (MANE Select); coding-DNA position 1202, G replaced by C.
Protein change: p.Gly401Ala; replaces glycine 401 with alanine.
Molecular consequence: missense variant.
Genome position (GRCh38, 1-based): chr6:156,778,882, G>C. VCF-style: chr6-156778882-G-C. GRCh37 (hg19) VCF-style: chr6-157100016-G-C.
Other names: c.1202G>C, p.Gly401Ala (NM_001371656.1, NM_001374820.1, NM_017519.3); c.953G>C (NM_020732.3); short protein forms G401A.
Identifiers: ClinVar variation 3364569 (VCV003364569.1).

ClinVar aggregate classification (germline): Uncertain significance (1 of 4 stars; one submission).

Submission:

GeneDx
Classification: Uncertain significance. Last evaluated: 2023-11-28. Review status: criteria provided, single submitter. Criteria: GeneDx Variant Classification Process June 2021. Collection method: clinical testing. Allele origin: germline. Affected: yes.
Comment: Not observed at significant frequency in large population cohorts (gnomAD); In silico analysis supports that this missense variant does not alter protein structure/function; Has not been previously published as pathogenic or benign to our knowledge